The following is an entry in ClinVar:

ClinVar aggregate classification (germline): Likely pathogenic (1 of 4 stars; one submission).

Submission:

GeneDx
Classification: Likely pathogenic. Last evaluated: 2024-03-02. Review status: criteria provided, single submitter. Criteria: GeneDx Variant Classification Process June 2021. Collection method: clinical testing. Allele origin: germline. Affected: yes.
Comment: Canonical splice site variant predicted to result in a null allele in a gene for which loss of function is a known mechanism of disease; Not observed at significant frequency in large population cohorts (gnomAD); Has not been previously published as pathogenic or benign to our knowledge

NM_001122764.3(PPOX):c.1249-2A>G

Gene: PPOX (protoporphyrinogen oxidase; plus strand). Cytogenetic location: 1q23.3.
Variant type: single nucleotide variant.
Coding change: c.1249-2A>G on transcript NM_001122764.3 (MANE Select); the canonical splice acceptor site of the intron before coding-DNA position 1249, A replaced by G.
Molecular consequence: splice acceptor variant.
Genome position (GRCh38, 1-based): chr1:161,170,905, A>G. VCF-style: chr1-161170905-A-G. GRCh37 (hg19) VCF-style: chr1-161140695-A-G.
Other names: c.763-2A>G (NM_001350130.2, NM_001350131.2, NM_001365401.1); c.1150-2A>G (NM_001350128.2); c.841-2A>G (NM_001350129.2, NM_001365400.1); c.1138-2A>G (NM_001365399.1); c.1249-2A>G (NM_000309.5, NM_001365398.1).
Identifiers: ClinVar variation 3373527 (VCV003373527.1).